The following is an entry in ClinVar:

NM_000440.3(PDE6A):c.1296A>G (p.Leu432=)

Gene: PDE6A (phosphodiesterase 6A; minus strand). Cytogenetic location: 5q32.
Variant type: single nucleotide variant.
Coding change: c.1296A>G on transcript NM_000440.3 (MANE Select); coding-DNA position 1296, A replaced by G.
Protein change: p.Leu432=; no amino-acid change (leucine 432 retained).
Molecular consequence: synonymous variant.
Genome position (GRCh38, 1-based): chr5:149,898,474, T>C on the plus strand (A>G on the coding strand, the complement: PDE6A is on the minus strand). VCF-style: chr5-149898474-T-C. GRCh37 (hg19) VCF-style: chr5-149278037-T-C.
Identifiers: ClinVar variation 351990 (VCV000351990.15), dbSNP rs372161698, ClinGen allele CA3504731.

ClinVar aggregate classification (germline): Conflicting classifications of pathogenicity. Review status: criteria provided, conflicting classifications (1 of 4 stars). 4 submissions from 4 submitters: Uncertain significance (1); Likely benign (2). 1 of the submissions does not count toward it. Last evaluated 2025-09-13.

Conditions:
PDE6A-related disorder. Also called: PDE6A-related condition.
Retinitis pigmentosa (RP). Identifiers: Orphanet 791, MedGen C0035334, MeSH D012174, MONDO:0019200, OMIM 268000. Inheritance: Autosomal dominant, autosomal recessive and X linked inheritance.

Allele frequency attached by ClinVar (database versions not stated): ExAC 0.00004; gnomAD exomes 0.00004 and 0.00008; gnomAD 0.00005; TOPMed 0.00006; ESP Exome Variant Server 0.00008.
gnomAD v4.1: 126 of 1,613,724 alleles (0.0078%); highest among the groups gnomAD compares: Non-Finnish European, 0.01%; 1 homozygote.

Submissions (4):

Labcorp Genetics (formerly Invitae), Labcorp
Classification: Likely benign. Last evaluated: 2025-09-13. Review status: criteria provided, single submitter. Criteria: Invitae Variant Classification Sherloc (09022015). Collection method: clinical testing. Allele origin: germline.

Blueprint Genetics
Classification: Likely benign. Last evaluated: 2019-09-17. Review status: criteria provided, single submitter. Criteria: ACMG Guidelines, 2015. Collection method: clinical testing. Allele origin: germline.

Illumina Laboratory Services, Illumina
Classification: Uncertain significance for Retinitis pigmentosa. Last evaluated: 2018-01-12. Review status: criteria provided, single submitter. Criteria: ICSL Variant Classification Criteria 13 December 2019. Collection method: clinical testing. Allele origin: germline.

PreventionGenetics, part of Exact Sciences
Classification: Likely benign for PDE6A-related condition. Last evaluated: 2019-09-23. Review status: no assertion criteria provided. Collection method: clinical testing. Allele origin: germline. Not counted in ClinVar's aggregate classification.
Comment: This variant is classified as likely benign based on ACMG/AMP sequence variant interpretation guidelines (Richards et al. 2015 PMID: 25741868, with internal and published modifications).